The following is an entry in ClinVar:

NM_001165963.4(SCN1A):c.1662+3A>G

Gene: SCN1A (sodium voltage-gated channel alpha subunit 1; minus strand). Cytogenetic location: 2q24.3.
Variant type: single nucleotide variant.
Coding change: c.1662+3A>G on transcript NM_001165963.4 (MANE Select); 3 bases into the intron after coding-DNA position 1662, A replaced by G.
Molecular consequence: intron variant.
Genome position (GRCh38, 1-based): chr2:166,045,040, T>C on the plus strand (A>G on the coding strand, the complement: SCN1A is on the minus strand). VCF-style: chr2-166045040-T-C. GRCh37 (hg19) VCF-style: chr2-166901550-T-C.
Other names: c.1662+3A>G (NM_001353949.2, NM_001353958.2, NM_001353950.2 and 7 more transcripts); c.1659+3A>G (NM_001353955.2, NM_001353960.2, NM_001353954.2); c.-764+3A>G (NM_001353961.2).
Identifiers: ClinVar variation 189936 (VCV000189936.9), dbSNP rs794726773, ClinGen allele CA303355.
Genomic context (GRCh38, chr2:166,045,040, plus strand): 5'-TCTCCCCCTCTCTCCCATGTTTTAATTTTCAACCATGCATCAGTAAACTCAGCAGTGCCA[T>C]ACCTGGTGTGGGGAGGAGTACCTCTTTTCATATGTCAATCGGTTCCCTTCAATGGAGAAG-3'

ClinVar aggregate classification (germline): Pathogenic/Likely pathogenic. Review status: criteria provided, multiple submitters, no conflicts (2 of 4 stars). 3 submissions from 3 submitters: Pathogenic (2); Likely pathogenic (1). Last evaluated 2025-03-31.

Conditions:
Early-infantile DEE. Also called: Early infantile epileptic encephalopathy; Ohtahara syndrome; Early infantile epileptic encephalopathy with suppression bursts. Identifiers: Orphanet 1934, MedGen C0393706, MONDO:0800491.
Severe myoclonic epilepsy in infancy (DRVT). Also called: Epileptic encephalopathy, early infantile, 6 (Dravet syndrome); SEVERE MYOCLONIC EPILEPSY OF INFANCY; DEVELOPMENTAL AND EPILEPTIC ENCEPHALOPATHY 6A; Severe Myoclonic Epilepsy in Infancy (SMEI); Dravet syndrome. Identifiers: Orphanet 33069, MedGen C0751122, MONDO:0100135, OMIM 607208.

Submissions (3):

GeneDx
Classification: Pathogenic. Last evaluated: 2025-03-31. Review status: criteria provided, single submitter. Criteria: GeneDx Variant Classification Process June 2021. Collection method: clinical testing. Allele origin: germline. Affected: yes.
Comment: Canonical splice site variant predicted to result in an in-frame loss of the adjacent exon in a gene for which loss of function is a known mechanism of disease; Not observed at significant frequency in large population cohorts (gnomAD); This variant is associated with the following publications: (PMID: 25525159, 19350499, 24168886, 29408779)

Labcorp Genetics (formerly Invitae), Labcorp
Classification: Likely pathogenic for Early-infantile DEE. Last evaluated: 2024-10-16. Review status: criteria provided, single submitter. Criteria: Invitae Variant Classification Sherloc (09022015). Collection method: clinical testing. Allele origin: germline.
Comment: This sequence change falls in intron 10 of the SCN1A gene. It does not directly change the encoded amino acid sequence of the SCN1A protein. It affects a nucleotide within the consensus splice site. This variant is not present in population databases (gnomAD no frequency). This variant has been observed in individual(s) with Dravet syndrome (PMID: 19350499). In at least one individual the variant was observed to be de novo. This variant is also known as IVS10+3A>G. ClinVar contains an entry for this variant (Variation ID: 189936). Variants that disrupt the consensus splice site are a relatively common cause of aberrant splicing (PMID: 17576681, 9536098). Algorithms developed to predict the effect of sequence changes on RNA splicing suggest that this variant may disrupt the consensus splice site. In summary, the currently available evidence indicates that the variant is pathogenic, but additional data are needed to prove that conclusively. Therefore, this variant has been classified as Likely Pathogenic.

Center for Bioinformatics, Peking University
Classification: Pathogenic for Dravet syndrome. Last evaluated: 2014-12-20. Review status: criteria provided, single submitter. Criteria: Xu et al. (Hum Mutat. 2015). Collection method: research. Allele origin: de novo. Affected: yes. Observed: 1 variant allele. Study: University Clinical Cooperation “985 Project” PKU-2014-1-1.
Comment: Dravet syndrome (DS) probands were recruited from the outpatient and inpatient child neurology units of Peking University First Hospital from 2005 till present. The study was approved by the Ethics Committee of Peking University First Hospital and the Institutional Review Board at Peking University. Participants or their parents provided written informed consent before enrollment. We collected a total of 267 mutations from 255 families with probands diagnosed with DS in China. All probands fulfilled the clinical diagnostic criteria.

Literature cited by the submitters: PubMed 19350499 (cited by Labcorp Genetics (formerly Invitae), Labcorp); PubMed 17576681 (cited by Labcorp Genetics (formerly Invitae), Labcorp); PubMed 9536098 (cited by Labcorp Genetics (formerly Invitae), Labcorp).